The following is an entry in ClinVar:

ClinVar aggregate classification (germline): Uncertain significance. Review status: criteria provided, multiple submitters, no conflicts (2 of 4 stars). 3 submissions from 3 submitters: Uncertain significance (3). Last evaluated 2023-11-22.

Conditions:
Inborn genetic diseases. Identifiers: MedGen C0950123, MeSH D030342.
Combined immunodeficiency due to LRBA deficiency. Also called: Common variable immunodeficiency 8, with autoimmunity. Identifiers: Orphanet 445018, MedGen C3553512, MONDO:0013863, OMIM 614700.

Allele frequency attached by ClinVar (database versions not stated): ExAC 0.00007; gnomAD 0.00007; TOPMed 0.00007; ESP Exome Variant Server 0.00008.
gnomAD v4.1: 76 of 1,611,864 alleles (0.0047%); highest among the groups gnomAD compares: Admixed American, 0.01%; no homozygotes.

Submissions (3):

Labcorp Genetics (formerly Invitae), Labcorp
Classification: Uncertain significance for Combined immunodeficiency due to LRBA deficiency. Last evaluated: 2023-11-22. Review status: criteria provided, single submitter. Criteria: Invitae Variant Classification Sherloc (09022015). Collection method: clinical testing. Allele origin: germline.
Comment: This sequence change replaces arginine, which is basic and polar, with glycine, which is neutral and non-polar, at codon 1505 of the LRBA protein (p.Arg1505Gly). This variant is present in population databases (rs140925698, gnomAD 0.09%). This variant has not been reported in the literature in individuals affected with LRBA-related conditions. ClinVar contains an entry for this variant (Variation ID: 933334). Advanced modeling of protein sequence and biophysical properties (such as structural, functional, and spatial information, amino acid conservation, physicochemical variation, residue mobility, and thermodynamic stability) performed at Invitae indicates that this missense variant is expected to disrupt LRBA protein function with a positive predictive value of 80%. In summary, the available evidence is currently insufficient to determine the role of this variant in disease. Therefore, it has been classified as a Variant of Uncertain Significance.

Ambry Genetics
Classification: Uncertain significance for Inborn genetic diseases. Last evaluated: 2023-11-07. Review status: criteria provided, single submitter. Criteria: Ambry Variant Classification Scheme 2023. Collection method: clinical testing. Allele origin: germline.

Fulgent Genetics
Classification: Uncertain significance for Combined immunodeficiency due to LRBA deficiency. Last evaluated: 2021-10-27. Review status: criteria provided, single submitter. Criteria: ACMG Guidelines, 2015. Collection method: clinical testing. Allele origin: unknown.

NM_001364905.1(LRBA):c.4513A>G (p.Arg1505Gly)

Gene: LRBA (LPS responsive beige-like anchor protein; minus strand). Cytogenetic location: 4q31.3.
Variant type: single nucleotide variant.
Coding change: c.4513A>G on transcript NM_001364905.1 (MANE Select); coding-DNA position 4513, A replaced by G.
Protein change: p.Arg1505Gly; replaces arginine 1505 with glycine.
Molecular consequence: missense variant.
Genome position (GRCh38, 1-based): chr4:150,844,156, T>C on the plus strand (A>G on the coding strand, the complement: LRBA is on the minus strand). VCF-style: chr4-150844156-T-C. GRCh37 (hg19) VCF-style: chr4-151765308-T-C.
Other names: c.4513A>G, p.Arg1505Gly (NM_001199282.3, NM_001367550.1, NM_006726.5); short protein forms R1505G.
Identifiers: ClinVar variation 933334 (VCV000933334.10), dbSNP rs140925698, ClinGen allele CA3102736.